The following is an entry in ClinVar:

NM_004994.3(MMP9):c.448G>A (p.Ala150Thr)

Gene: MMP9 (matrix metallopeptidase 9; plus strand). Cytogenetic location: 20q13.12.
Variant type: single nucleotide variant.
Coding change: c.448G>A on transcript NM_004994.3 (MANE Select); coding-DNA position 448, G replaced by A.
Protein change: p.Ala150Thr; replaces alanine 150 with threonine.
Molecular consequence: missense variant.
Genome position (GRCh38, 1-based): chr20:46,010,559, G>A. VCF-style: chr20-46010559-G-A. GRCh37 (hg19) VCF-style: chr20-44639198-G-A.
Other names: short protein forms A150T.
Identifiers: ClinVar variation 3607108 (VCV003607108.2).

ClinVar aggregate classification (germline): Uncertain significance (1 of 4 stars; one submission).

Submission:

Labcorp Genetics (formerly Invitae), Labcorp
Classification: Uncertain significance. Last evaluated: 2025-01-24. Review status: criteria provided, single submitter. Criteria: Invitae Variant Classification Sherloc (09022015). Collection method: clinical testing. Allele origin: germline.
Comment: This sequence change replaces alanine, which is neutral and non-polar, with threonine, which is neutral and polar, at codon 150 of the MMP9 protein (p.Ala150Thr). This variant is not present in population databases (gnomAD no frequency). This variant has not been reported in the literature in individuals affected with MMP9-related conditions. Invitae Evidence Modeling of protein sequence and biophysical properties (such as structural, functional, and spatial information, amino acid conservation, physicochemical variation, residue mobility, and thermodynamic stability) indicates that this missense variant is not expected to disrupt MMP9 protein function with a negative predictive value of 80%. In summary, the available evidence is currently insufficient to determine the role of this variant in disease. Therefore, it has been classified as a Variant of Uncertain Significance.